The following is an entry in ClinVar:

NM_000395.3(CSF2RB):c.28A>G (p.Met10Val)

Gene: CSF2RB (colony stimulating factor 2 receptor subunit beta; plus strand). Cytogenetic location: 22q12.3.
Variant type: single nucleotide variant.
Coding change: c.28A>G on transcript NM_000395.3 (MANE Select); coding-DNA position 28, A replaced by G.
Protein change: p.Met10Val; replaces methionine 10 with valine.
Molecular consequence: missense variant.
Genome position (GRCh38, 1-based): chr22:36,922,235, A>G. VCF-style: chr22-36922235-A-G. GRCh37 (hg19) VCF-style: chr22-37318277-A-G.
Other names: short protein forms M10V.
Identifiers: ClinVar variation 1495547 (VCV001495547.6), dbSNP rs754457287, ClinGen allele CA10213319.

ClinVar aggregate classification (germline): Uncertain significance (1 of 4 stars; one submission).

Allele frequency attached by ClinVar (database versions not stated): TOPMed 0.00001; gnomAD 0.00002; gnomAD exomes 0.00002 and 0.00005; ExAC 0.00006.

Submission:

Labcorp Genetics (formerly Invitae), Labcorp
Classification: Uncertain significance. Last evaluated: 2025-12-21. Review status: criteria provided, single submitter. Criteria: Invitae Variant Classification Sherloc (09022015). Collection method: clinical testing. Allele origin: germline.
Comment: This sequence change replaces methionine, which is neutral and non-polar, with valine, which is neutral and non-polar, at codon 10 of the CSF2RB protein (p.Met10Val). This variant is present in population databases (rs754457287, gnomAD 0.03%). This variant has not been reported in the literature in individuals affected with CSF2RB-related conditions. ClinVar contains an entry for this variant (Variation ID: 1495547). An algorithm developed to predict the effect of missense changes on protein structure and function outputs the following: PolyPhen-2: "Benign". The valine amino acid residue is found in multiple mammalian species, which suggests that this missense change does not adversely affect protein function. In summary, the available evidence is currently insufficient to determine the role of this variant in disease. Therefore, it has been classified as a Variant of Uncertain Significance.